The following is an entry in ClinVar:

NM_212482.4(FN1):c.718T>G (p.Tyr240Asp)

Gene: FN1 (fibronectin 1; minus strand). Cytogenetic location: 2q35.
Variant type: single nucleotide variant.
Coding change: c.718T>G on transcript NM_212482.4 (MANE Select); coding-DNA position 718, T replaced by G.
Protein change: p.Tyr240Asp; replaces tyrosine 240 with aspartic acid.
Molecular consequence: missense variant.
Genome position (GRCh38, 1-based): chr2:215,428,306, A>C on the plus strand (T>G on the coding strand, the complement: FN1 is on the minus strand). VCF-style: chr2-215428306-A-C. GRCh37 (hg19) VCF-style: chr2-216293029-A-C.
Other names: c.718T>G, p.Tyr240Asp (NM_001306129.2, NM_001306130.2, NM_001306131.2 and 14 more transcripts); short protein forms Y240D.
Identifiers: ClinVar variation 424646 (VCV000424646.3), dbSNP rs1553659131, ClinGen allele CA350474250.

ClinVar aggregate classification (germline): Likely pathogenic. Review status: criteria provided, single submitter (1 of 4 stars). 4 submissions from 4 submitters: Likely pathogenic (1). 3 of the submissions do not count toward it. Last evaluated 2018-10-15.

Conditions:
Spondylometaphyseal dysplasia - Sutcliffe type. Also called: Spondylometaphyseal Dysplasia, Corner Fracture Type; Sutcliffe type of spondylometaphyseal dysplasia; Sutcliffe SMD; Spondylometaphyseal dysplasia, 'corner fracture' type. Identifiers: Orphanet 93315, MedGen C0432221, MONDO:0008479, OMIM 184255.
Spondylometaphyseal dysplasia. Identifiers: Orphanet 254, MedGen C4759767, MONDO:0016763, HP:0002657.

Submissions (4):

SIB Swiss Institute of Bioinformatics
Classification: Likely pathogenic for Spondylometaphyseal dysplasia - Sutcliffe type. Last evaluated: 2018-10-15. Review status: criteria provided, single submitter. Criteria: ACMG Guidelines, 2015. Collection method: curation. Allele origin: germline.
Comment: This variant is interpreted as Likely Pathogenic, for Spondylometaphyseal dysplasia, corner fracture type, autosomal dominant. The following ACMG Tag(s) were applied: PM2 => Absent from controls (or at extremely low frequency if recessive) in Exome Sequencing Project, 1000 Genomes Project, or Exome Aggregation Consortium. PP1 => Cosegregation with disease in multiple affected family members in a gene definitively known to cause the disease (PubMed 29100092). PP3 => Multiple lines of computational evidence support a deleterious effect on the gene or gene product. PS3-Moderate => PS3 downgraded in strength to Moderate (PubMed 29100092).

OMIM
Classification: Pathogenic for SPONDYLOMETAPHYSEAL DYSPLASIA, CORNER FRACTURE TYPE. Last evaluated: 2017-12-28. Review status: no assertion criteria provided. Collection method: literature only. Allele origin: germline. Not counted in ClinVar's aggregate classification.

CHU Sainte-Justine Research Center, University of Montreal
Classification: Likely pathogenic for Spondylometaphyseal dysplasia. Last evaluated: 2017-02-25. Review status: no assertion criteria provided. Collection method: research. Allele origin: germline. Affected: yes. Not counted in ClinVar's aggregate classification.
Comment: 6 Individuals with novel FN1 mutations and spondylometaphyseal dysplasia

GeneReviews
No classification provided. Condition: Spondylometaphyseal dysplasia - Sutcliffe type. Review status: no classification provided. Collection method: literature only. Allele origin: germline. Not counted in ClinVar's aggregate classification.

Literature cited by the submitters: PubMed 29100092 (cited by 3 submitters); PubMed 1677003 (cited by GeneReviews); PubMed 32200603 (cited by GeneReviews).